The following is an entry in ClinVar:

ClinVar aggregate classification (germline): Benign (1 of 4 stars; one submission).

Allele frequency attached by ClinVar (database versions not stated): 1000 Genomes Project 30x 0.02530; gnomAD 0.01909; TOPMed 0.02215; 1000 Genomes Project 0.02456.
gnomAD v4.1: 3,108 of 152,264 alleles (2%); highest among the groups gnomAD compares: African/African-American, 7.2%; 103 homozygotes.

Submission:

GeneDx
Classification: Benign. Last evaluated: 2018-06-14. Review status: criteria provided, single submitter. Criteria: GeneDx Variant Classification (06012015). Collection method: clinical testing. Allele origin: germline. Affected: yes.
Comment: This variant is considered likely benign or benign based on one or more of the following criteria: it is a conservative change, it occurs at a poorly conserved position in the protein, it is predicted to be benign by multiple in silico algorithms, and/or has population frequency not consistent with disease.

NM_173471.4(SLC25A26):c.-353-199G>A

Gene: SLC25A26 (solute carrier family 25 member 26; plus strand). Cytogenetic location: 3p14.1.
Variant type: single nucleotide variant.
Coding change: c.-353-199G>A on transcript NM_173471.4; 199 bases into the intron before 353 bases upstream of the start codon, G replaced by A.
Molecular consequence: intron variant.
Genome position (GRCh38, 1-based): chr3:66,220,543, G>A. VCF-style: chr3-66220543-G-A. GRCh37 (hg19) VCF-style: chr3-66270969-G-A.
Identifiers: ClinVar variation 673256 (VCV000673256.3), dbSNP rs146641884, ClinGen allele CA76462383.